The following is an entry in ClinVar:

ClinVar aggregate classification (germline): Uncertain significance (1 of 4 stars; one submission).

Conditions:
CHARGE syndrome (CHARGE). Also called: Hittner Hirsch Kreh syndrome; CHARGE ASSOCIATION--COLOBOMA, HEART ANOMALY, CHOANAL ATRESIA, RETARDATION, GENITAL AND EAR ANOMALIES; Coloboma, heart anomaly, choanal atresia, retardation, genital and ear anomalies; CHARGE association; Hall-Hittner syndrome. Identifiers: Orphanet 138, MedGen C0265354, MONDO:0008965.

Submission:

Labcorp Genetics (formerly Invitae), Labcorp
Classification: Uncertain significance for CHARGE syndrome. Last evaluated: 2023-08-25. Review status: criteria provided, single submitter. Criteria: Invitae Variant Classification Sherloc (09022015). Collection method: clinical testing. Allele origin: germline.
Comment: In summary, the available evidence is currently insufficient to determine the role of this variant in disease. Therefore, it has been classified as a Variant of Uncertain Significance. Advanced modeling of protein sequence and biophysical properties (such as structural, functional, and spatial information, amino acid conservation, physicochemical variation, residue mobility, and thermodynamic stability) performed at Invitae indicates that this missense variant is not expected to disrupt CHD7 protein function. This variant has not been reported in the literature in individuals affected with CHD7-related conditions. This variant is not present in population databases (gnomAD no frequency). This sequence change replaces histidine, which is basic and polar, with tyrosine, which is neutral and polar, at codon 237 of the CHD7 protein (p.His237Tyr).

NM_017780.4(CHD7):c.709C>T (p.His237Tyr)

Gene: CHD7 (chromodomain helicase DNA binding protein 7; plus strand). Cytogenetic location: 8q12.2.
Variant type: single nucleotide variant.
Coding change: c.709C>T on transcript NM_017780.4 (MANE Select); coding-DNA position 709, C replaced by T.
Protein change: p.His237Tyr; replaces histidine 237 with tyrosine.
Molecular consequence: missense variant.
Genome position (GRCh38, 1-based): chr8:60,742,141, C>T. VCF-style: chr8-60742141-C-T. GRCh37 (hg19) VCF-style: chr8-61654700-C-T.
Other names: c.709C>T, p.His237Tyr (NM_001316690.1); short protein forms H237Y.
Identifiers: ClinVar variation 2755187 (VCV002755187.3), dbSNP rs2487268356, ClinGen allele CA371298947.